The following is an entry in ClinVar:

ClinVar aggregate classification (germline): Uncertain significance (1 of 4 stars; one submission).

Allele frequency attached by ClinVar (database versions not stated): gnomAD exomes 0.00001.
gnomAD v4.1: 9 of 1,614,166 alleles (0.00056%); highest among the groups gnomAD compares: Non-Finnish European, 0.00076%; no homozygotes.

Submission:

Labcorp Genetics (formerly Invitae), Labcorp
Classification: Uncertain significance. Last evaluated: 2023-07-30. Review status: criteria provided, single submitter. Criteria: Invitae Variant Classification Sherloc (09022015). Collection method: clinical testing. Allele origin: germline.
Comment: In summary, the available evidence is currently insufficient to determine the role of this variant in disease. Therefore, it has been classified as a Variant of Uncertain Significance. Advanced modeling of protein sequence and biophysical properties (such as structural, functional, and spatial information, amino acid conservation, physicochemical variation, residue mobility, and thermodynamic stability) performed at Invitae indicates that this missense variant is not expected to disrupt MYO5B protein function. This variant has not been reported in the literature in individuals affected with MYO5B-related conditions. This variant is not present in population databases (gnomAD no frequency). This sequence change replaces isoleucine, which is neutral and non-polar, with valine, which is neutral and non-polar, at codon 1090 of the MYO5B protein (p.Ile1090Val).

NM_001080467.3(MYO5B):c.3268A>G (p.Ile1090Val)

Gene: MYO5B (myosin VB; minus strand). Cytogenetic location: 18q21.1.
Variant type: single nucleotide variant.
Coding change: c.3268A>G on transcript NM_001080467.3 (MANE Select); coding-DNA position 3268, A replaced by G.
Protein change: p.Ile1090Val; replaces isoleucine 1090 with valine.
Molecular consequence: missense variant.
Genome position (GRCh38, 1-based): chr18:49,878,953, T>C on the plus strand (A>G on the coding strand, the complement: MYO5B is on the minus strand). VCF-style: chr18-49878953-T-C. GRCh37 (hg19) VCF-style: chr18-47405323-T-C.
Other names: short protein forms I1090V.
Identifiers: ClinVar variation 2794103 (VCV002794103.3), dbSNP rs2511259843, ClinGen allele CA402428678.
Genomic context (GRCh38, chr18:49,878,953, plus strand): 5'-TGGACAGGAGCCAGGGACCTGTGCCATGGCACAGCAGAAGCACCCCCCTTGCCTTTATGA[T>C]GGTCATTTCATCCCGAAGGTTGTCGTATCTCTGCTCCAACTGTGAATATTCCTTCACAAG-3'
Protein context (NP_001073936.1, residues 1080-1100): RYDNLRDEMT[Ile1090Val]IKQTPGHRRN